The following is an entry in ClinVar:

NM_001136472.2(LITAF):c.377+1801A>C

Gene: LITAF (lipopolysaccharide induced TNF factor; minus strand). Cytogenetic location: 16p13.13.
Variant type: single nucleotide variant.
Coding change: c.377+1801A>C on transcript NM_001136472.2 (MANE Select); 1801 bases into the intron after coding-DNA position 377, A replaced by C.
Molecular consequence: intron variant. On other transcripts: synonymous variant (1).
Genome position (GRCh38, 1-based): chr16:11,551,732, T>G on the plus strand (A>C on the coding strand, the complement: LITAF is on the minus strand). VCF-style: chr16-11551732-T-G. GRCh37 (hg19) VCF-style: chr16-11645588-T-G.
Other names: c.450A>C, p.Ser150= (NM_001136473.1); c.377+1801A>C (NM_004862.4).
Identifiers: ClinVar variation 3388579 (VCV003388579.14).

ClinVar aggregate classification (germline): Likely benign (1 of 4 stars; one submission).

Submission:

CeGaT Center for Human Genetics Tuebingen
Classification: Likely benign. Last evaluated: 2024-10-01. Review status: criteria provided, single submitter. Criteria: CeGaT Center For Human Genetics Tuebingen Variant Classification Criteria Version 2. Collection method: clinical testing. Allele origin: germline. Affected: yes. Observed: 1 variant allele.
Comment: LITAF: PM2:Supporting, BP4, BP7